The following is an entry in ClinVar:

NC_000012.11:g.(?_65604686)_(65672665_?)dup

Genes: LEMD3 (LEM domain containing 3; plus strand), MSRB3 (methionine sulfoxide reductase B3; plus strand). Cytogenetic location: 12q14.3.
Variant type: Duplication.
Identifiers: ClinVar variation 3244421 (VCV003244421.1).

ClinVar aggregate classification (germline): Uncertain significance (1 of 4 stars; one submission).

Submission:

Labcorp Genetics (formerly Invitae), Labcorp
Classification: Uncertain significance. Last evaluated: 2023-12-11. Review status: criteria provided, single submitter. Criteria: Invitae Variant Classification Sherloc (09022015). Collection method: clinical testing. Allele origin: unknown.
Comment: This variant results in a copy number gain of the genomic region encompassing exon(s) 2-13 of the LEMD3 gene. This region includes the termination codon of the gene. This copy number gain extends beyond the assayed region for this gene and therefore may encompass additional genes. As the precise location of this event is unknown, it may be in tandem or it may be located elsewhere in the genome. This variant has not been reported in the literature in individuals affected with LEMD3-related conditions. In summary, the available evidence is currently insufficient to determine the role of this variant in disease. Therefore, it has been classified as a Variant of Uncertain Significance.